The following is an entry in ClinVar:

NM_001042492.3(NF1):c.3374C>G (p.Ala1125Gly)

Gene: NF1 (neurofibromin 1; plus strand). Cytogenetic location: 17q11.2.
Variant type: single nucleotide variant.
Coding change: c.3374C>G on transcript NM_001042492.3 (MANE Select); coding-DNA position 3374, C replaced by G.
Protein change: p.Ala1125Gly; replaces alanine 1125 with glycine.
Molecular consequence: missense variant.
Genome position (GRCh38, 1-based): chr17:31,232,759, C>G. VCF-style: chr17-31232759-C-G. GRCh37 (hg19) VCF-style: chr17-29559777-C-G.
Other names: c.3374C>G, p.Ala1125Gly (NM_000267.4); short protein forms A1125G.
Identifiers: ClinVar variation 1461850 (VCV001461850.8), dbSNP rs902739109, ClinGen allele CA398989099.

ClinVar aggregate classification (germline): Uncertain significance (1 of 4 stars; one submission).

Conditions:
Neurofibromatosis, type 1 (NF1). Also called: NEUROFIBROMATOSIS, TYPE I, SOMATIC; VON RECKLINGHAUSEN DISEASE; Peripheral type neurofibromatosis; Neurofibromatosis, type I. Identifiers: Orphanet 636, MedGen C0027831, MONDO:0018975, OMIM 162200. Disease mechanism: loss of function.

Submission:

Labcorp Genetics (formerly Invitae), Labcorp
Classification: Uncertain significance for Neurofibromatosis, type 1. Last evaluated: 2021-01-20. Review status: criteria provided, single submitter. Criteria: Invitae Variant Classification Sherloc (09022015). Collection method: clinical testing. Allele origin: germline.
Comment: This variant is not present in population databases (ExAC no frequency). This sequence change replaces alanine with glycine at codon 1125 of the NF1 protein (p.Ala1125Gly). The alanine residue is weakly conserved and there is a small physicochemical difference between alanine and glycine. This variant has not been reported in the literature in individuals with NF1-related conditions. Advanced modeling of protein sequence and biophysical properties (such as structural, functional, and spatial information, amino acid conservation, physicochemical variation, residue mobility, and thermodynamic stability) performed at Invitae indicates that this missense variant is not expected to disrupt NF1 protein function. In summary, the available evidence is currently insufficient to determine the role of this variant in disease. Therefore, it has been classified as a Variant of Uncertain Significance.